The following is an entry in ClinVar:

NM_002299.4(LCT):c.172G>A (p.Asp58Asn)

Gene: LCT (lactase; minus strand). Cytogenetic location: 2q21.3.
Variant type: single nucleotide variant.
Coding change: c.172G>A on transcript NM_002299.4 (MANE Select); coding-DNA position 172, G replaced by A.
Protein change: p.Asp58Asn; replaces aspartic acid 58 with asparagine.
Molecular consequence: missense variant.
Genome position (GRCh38, 1-based): chr2:135,836,998, C>T on the plus strand (G>A on the coding strand, the complement: LCT is on the minus strand). VCF-style: chr2-135836998-C-T. GRCh37 (hg19) VCF-style: chr2-136594568-C-T.
Other names: short protein forms D58N.
Identifiers: ClinVar variation 1385871 (VCV001385871.6), dbSNP rs762559183, ClinGen allele CA1888683.

ClinVar aggregate classification (germline): Uncertain significance (1 of 4 stars; one submission).

Allele frequency attached by ClinVar (database versions not stated): TOPMed 0.00001; ExAC 0.00002; gnomAD exomes 0.00003; gnomAD 0.00004.

Submission:

Labcorp Genetics (formerly Invitae), Labcorp
Classification: Uncertain significance. Last evaluated: 2022-01-27. Review status: criteria provided, single submitter. Criteria: Invitae Variant Classification Sherloc (09022015). Collection method: clinical testing. Allele origin: germline.
Comment: In summary, the available evidence is currently insufficient to determine the role of this variant in disease. Therefore, it has been classified as a Variant of Uncertain Significance. Algorithms developed to predict the effect of missense changes on protein structure and function output the following: SIFT: "Not Available"; PolyPhen-2: "Benign"; Align-GVGD: "Not Available". The asparagine amino acid residue is found in multiple mammalian species, which suggests that this missense change does not adversely affect protein function. This variant has not been reported in the literature in individuals affected with LCT-related conditions. This variant is present in population databases (rs762559183, gnomAD 0.03%). This sequence change replaces aspartic acid, which is acidic and polar, with asparagine, which is neutral and polar, at codon 58 of the LCT protein (p.Asp58Asn).